The following is an entry in ClinVar:

ClinVar aggregate classification (germline): Conflicting classifications of pathogenicity. Review status: criteria provided, conflicting classifications (1 of 4 stars). 5 submissions from 5 submitters: Likely pathogenic (1); Uncertain significance (3). 1 of the submissions does not count toward it. Last evaluated 2025-06-10.

Conditions:
Hereditary cancer-predisposing syndrome. Also called: Neoplastic Syndromes, Hereditary; Hereditary Cancer Syndrome; Tumor predisposition; Hereditary neoplastic syndrome. Identifiers: Orphanet 140162, MedGen C0027672, MeSH D009386, MONDO:0015356.
Familial cancer of breast. Also called: Hereditary breast cancer; BREAST CANCER, FAMILIAL; hereditary breast carcinoma. Identifiers: Orphanet 227535, MedGen C0346153, MONDO:0016419, OMIM 114480. Disease mechanism: loss of function.
Ataxia-telangiectasia syndrome (AT). Also called: LOUIS-BAR SYNDROME; Cerebello-oculocutaneous telangiectasia; Immunodeficiency with ataxia telangiectasia; Ataxia-telangiectasia, complementation group D; AT, COMPLEMENTATION GROUP C; Ataxia-telangiectasia, complementation group E. Identifiers: Orphanet 100, MedGen C0004135, MONDO:0008840, OMIM 208900.

Allele frequency attached by ClinVar (database versions not stated): gnomAD exomes below 0.00001.
gnomAD v4.1: 2 of 1,612,370 alleles (0.00012%); highest among the groups gnomAD compares: East Asian, 0.0022%; no homozygotes.

Submissions (5):

Labcorp Genetics (formerly Invitae), Labcorp
Classification: Uncertain significance for Ataxia-telangiectasia syndrome. Last evaluated: 2025-06-10. Review status: criteria provided, single submitter. Criteria: Invitae Variant Classification Sherloc (09022015). Collection method: clinical testing. Allele origin: germline.
Comment: This sequence change replaces arginine, which is basic and polar, with lysine, which is basic and polar, at codon 1973 of the ATM protein (p.Arg1973Lys). This variant also falls at the last nucleotide of exon 39, which is part of the consensus splice site for this exon. This variant is not present in population databases (gnomAD no frequency). This variant has not been reported in the literature in individuals affected with ATM-related conditions. ClinVar contains an entry for this variant (Variation ID: 481292). An algorithm developed to predict the effect of missense changes on protein structure and function (PolyPhen-2) suggests that this variant is likely to be tolerated. Variants that disrupt the consensus splice site are a relatively common cause of aberrant splicing (PMID: 17576681, 9536098). Studies have shown that this missense change is associated with altered splicing resulting in multiple RNA products (internal data). In summary, the available evidence is currently insufficient to determine the role of this variant in disease. Therefore, it has been classified as a Variant of Uncertain Significance.

Ambry Genetics
Classification: Likely pathogenic for Hereditary cancer-predisposing syndrome. Last evaluated: 2024-12-23. Review status: criteria provided, single submitter. Criteria: Ambry Variant Classification Scheme 2023. Collection method: clinical testing. Allele origin: germline.
Comment: The c.5918G>A variant (also known as p.R1973K), located in coding exon 38 of the ATM gene, results from a G to A substitution at nucleotide position 5918. This variant was reported in 1/60,466 breast cancer cases and in 2/53,461 controls (Dorling et al. N Engl J Med. 2021 02;384:428-439). The amino acid change results in arginine to lysine at codon 1973, an amino acid with highly similar properties. However, this change occurs in the last base pair of coding exon 38, which makes it likely to have some effect on normal mRNA splicing. This nucleotide position is highly conserved in available vertebrate species. In silico splice site analysis predicts that this alteration may weaken the native splice donor site and RNA studies have demonstrated that this alteration results in abnormal splicing in the set of samples tested (Ambry internal data). Based on the majority of available evidence to date, this variant is likely to be pathogenic.

Baylor Genetics
Classification: Uncertain significance for Familial cancer of breast. Last evaluated: 2023-11-14. Review status: criteria provided, single submitter. Criteria: ACMG Guidelines, 2015. Collection method: clinical testing. Allele origin: unknown.

Color Diagnostics, LLC DBA Color Health
Classification: Uncertain significance for Hereditary cancer-predisposing syndrome. Last evaluated: 2023-02-03. Review status: criteria provided, single submitter. Criteria: ACMG Guidelines, 2015. Collection method: clinical testing. Allele origin: germline.
Comment: This synonymous variant alters the conserved c.G at the last nucleotide of exon 39 of the ATM gene. Splice site prediction tools suggest that this variant may impact RNA splicing. This variant has been reported to impact RNA splicing by an external laboratory, however, detailed data are not available for review (ClinVar SCV000665599.4). Computational prediction suggests that this variant may not impact protein structure and function (internally defined REVEL score threshold <= 0.5, PMID: 27666373). In a large international case-control study, this variant was reported in 1/60466 breast cancer cases and 2/53461 controls (PMID: 33471991). This variant has not been identified in the general population by the Genome Aggregation Database (gnomAD). The available evidence is insufficient to determine the role of this variant in disease conclusively. Therefore, this variant is classified as a Variant of Uncertain Significance.

Natera, Inc.
Classification: Uncertain significance for Ataxia-telangiectasia. Last evaluated: 2020-07-29. Review status: no assertion criteria provided. Collection method: clinical testing. Allele origin: germline. Not counted in ClinVar's aggregate classification.

Literature cited by the submitters: PubMed 17576681 (cited by Labcorp Genetics (formerly Invitae), Labcorp); PubMed 9536098 (cited by Labcorp Genetics (formerly Invitae), Labcorp); PubMed 33471991 (cited by Ambry Genetics and Color Diagnostics, LLC DBA Color Health).

NM_000051.4(ATM):c.5918G>A (p.Arg1973Lys)

Genes: C11orf65 (chromosome 11 open reading frame 65; minus strand), ATM (ATM serine/threonine kinase; plus strand). Cytogenetic location: 11q22.3.
Variant type: single nucleotide variant.
Coding change: c.5918G>A on transcript NM_000051.4 (MANE Select); coding-DNA position 5918, G replaced by A.
Protein change: p.Arg1973Lys; replaces arginine 1973 with lysine.
Molecular consequence: missense variant. On other transcripts: intron variant (2).
Genome position (GRCh38, 1-based): chr11:108,310,315, G>A. VCF-style: chr11-108310315-G-A. GRCh37 (hg19) VCF-style: chr11-108181042-G-A.
Other names: c.5918G>A, p.Arg1973Lys (NM_001351834.2); c.641-1244C>T (NM_001330368.2); c.*39-1244C>T (NM_001351110.2); short protein forms R1973K.
Identifiers: ClinVar variation 481292 (VCV000481292.33), dbSNP rs1555110591, ClinGen allele CA382548611.